The following is an entry in ClinVar:

ClinVar aggregate classification (germline): Pathogenic. Review status: criteria provided, multiple submitters, no conflicts (2 of 4 stars). 3 submissions from 3 submitters: Pathogenic (3). Last evaluated 2024-08-27.

Conditions:
Polycystic kidney disease 2 (PKD2). Also called: POLYCYSTIC KIDNEY DISEASE 2 WITH OR WITHOUT POLYCYSTIC LIVER DISEASE; Polycystic Kidney Disease 2, Autosomal Dominant; POLYCYSTIC KIDNEY DISEASE, ADULT, TYPE II. Identifiers: MedGen C2751306, MONDO:0013131, OMIM 613095.

Submissions (3):

Department of Pathology and Laboratory Medicine, Sinai Health System
Classification: Pathogenic for Polycystic kidney disease 2. Last evaluated: 2024-08-27. Review status: criteria provided, single submitter. Criteria: ACMG Guidelines, 2015. Collection method: clinical testing. Allele origin: germline.

Fulgent Genetics
Classification: Pathogenic for Polycystic kidney disease 2. Last evaluated: 2024-04-04. Review status: criteria provided, single submitter. Criteria: ACMG Guidelines, 2015. Collection method: clinical testing. Allele origin: germline.

GeneDx
Classification: Pathogenic. Last evaluated: 2024-02-29. Review status: criteria provided, single submitter. Criteria: GeneDx Variant Classification Process June 2021. Collection method: clinical testing. Allele origin: germline. Affected: yes.
Comment: Frameshift variant predicted to result in protein truncation or nonsense mediated decay in a gene for which loss of function is a known mechanism of disease; Not observed at significant frequency in large population cohorts (gnomAD); This variant is associated with the following publications: (PMID: 22383692, 29321346)

NM_000297.4(PKD2):c.2182_2183del (p.Leu729fs)

Gene: PKD2 (polycystin 2, transient receptor potential cation channel; plus strand). Cytogenetic location: 4q22.1.
Variant type: Microsatellite.
Coding change: c.2182_2183del on transcript NM_000297.4 (MANE Select); coding-DNA positions 2182 to 2183, 2 bases deleted (AG; older notation c.2182_2183delAG).
Protein change: p.Leu729fs; shifts the reading frame from leucine 729.
Molecular consequence: frameshift variant. On other transcripts: non-coding transcript variant (1).
Genome position (GRCh38, 1-based): chr4:88,065,437-88,065,438, AG deleted; deleting any 2 consecutive bases within chr4:88,065,433-88,065,438 gives the same sequence; the c. name uses the placement nearest the transcript's 3' end. VCF-style (leftmost placement, unchanged base first): chr4-88065432-CAG-C. GRCh37 (hg19) VCF-style: chr4-88986584-CAG-C.
Other names: short protein forms L729fs.
Identifiers: ClinVar variation 3338796 (VCV003338796.3).